The following is an entry in ClinVar:

NM_001082971.2(DDC):c.201+1G>C

Gene: DDC (dopa decarboxylase; minus strand). Cytogenetic location: 7p12.1.
Variant type: single nucleotide variant.
Coding change: c.201+1G>C on transcript NM_001082971.2 (MANE Select); the canonical splice donor site of the intron after coding-DNA position 201, G replaced by C.
Molecular consequence: splice donor variant.
Genome position (GRCh38, 1-based): chr7:50,543,884, C>G on the plus strand (G>C on the coding strand, the complement: DDC is on the minus strand). VCF-style: chr7-50543884-C-G. GRCh37 (hg19) VCF-style: chr7-50611582-C-G.
Other names: c.201+1G>C (NM_001242888.2, NM_001242886.2, NM_001242889.2 and 3 more transcripts).
Identifiers: ClinVar variation 1516286 (VCV001516286.7), dbSNP rs1450673278, ClinGen allele CA367531226.
Genomic context (GRCh38, chr7:50,543,884, plus strand): 5'-GCCAAGTAGGTGCTATGTGAGTTCTAGCCCTCCTGTTTTCTGACCTTGGATACACACTTA[C>G]CCCAGGCATGATTATCTTCTCAACGTCGTTGATGATGTCCTCAAACGTGTCTGGCTCCTG-3'

ClinVar aggregate classification (germline): Likely pathogenic. Review status: criteria provided, multiple submitters, no conflicts (2 of 4 stars). 2 submissions from 2 submitters: Likely pathogenic (2). Last evaluated 2025-11-09.

Conditions:
Deficiency of aromatic-L-amino-acid decarboxylase. Also called: DDC DEFICIENCY; DOPA DECARBOXYLASE DEFICIENCY; Aromatic amino acid decarboxylase deficiency; Aromatic L-Amino Acid Decarboxylase Deficiency; AADC DEFICIENCY. Identifiers: Orphanet 35708, MedGen C1291564, MONDO:0012084, OMIM 608643.

Allele frequency attached by ClinVar (database versions not stated): gnomAD exomes below 0.00001; TOPMed below 0.00001; gnomAD 0.00001.
gnomAD v4.1: 2 of 1,613,780 alleles (0.00012%); highest among the groups gnomAD compares: Admixed American, 0.0033%; no homozygotes.

Submissions (2):

Labcorp Genetics (formerly Invitae), Labcorp
Classification: Likely pathogenic for Deficiency of aromatic-L-amino-acid decarboxylase. Last evaluated: 2025-11-09. Review status: criteria provided, single submitter. Criteria: Invitae Variant Classification Sherloc (09022015). Collection method: clinical testing. Allele origin: germline.
Comment: This sequence change affects a donor splice site in intron 2 of the DDC gene. It is expected to disrupt RNA splicing. Variants that disrupt the donor or acceptor splice site typically lead to a loss of protein function (PMID: 16199547), and loss-of-function variants in DDC are known to be pathogenic (PMID: 15079002, 24788355). This variant is present in population databases (no rsID available, gnomAD 0.003%). This variant has not been reported in the literature in individuals affected with DDC-related conditions. ClinVar contains an entry for this variant (Variation ID: 1516286). Algorithms developed to predict the effect of sequence changes on RNA splicing suggest that this variant may disrupt the consensus splice site. In summary, the currently available evidence indicates that the variant is pathogenic, but additional data are needed to prove that conclusively. Therefore, this variant has been classified as Likely Pathogenic.

Fulgent Genetics
Classification: Likely pathogenic for Deficiency of aromatic-L-amino-acid decarboxylase. Last evaluated: 2024-04-24. Review status: criteria provided, single submitter. Criteria: ACMG Guidelines, 2015. Collection method: clinical testing. Allele origin: germline.

Literature cited by the submitters: PubMed 16199547 (cited by Labcorp Genetics (formerly Invitae), Labcorp); PubMed 15079002 (cited by Labcorp Genetics (formerly Invitae), Labcorp); PubMed 24788355 (cited by Labcorp Genetics (formerly Invitae), Labcorp).